The following is an entry in ClinVar:

NM_001160372.4(TRAPPC9):c.3036_3040dup (p.Ala1014fs)

Gene: TRAPPC9 (trafficking protein particle complex subunit 9; minus strand). Cytogenetic location: 8q24.3.
Variant type: Duplication.
Coding change: c.3036_3040dup on transcript NM_001160372.4 (MANE Select); coding-DNA positions 3036 to 3040, 5 bases duplicated (GCTGG; older notation c.3036_3040dupGCTGG).
Protein change: p.Ala1014fs; shifts the reading frame from alanine 1014.
Molecular consequence: frameshift variant. On other transcripts: non-coding transcript variant (1).
Genome position (GRCh38, 1-based): chr8:139,885,894-139,885,898, CCAGC duplicated on the plus strand (GCTGG on the coding strand, the reverse complement: TRAPPC9 is on the minus strand). VCF-style (leftmost placement, unchanged base first): chr8-139885893-G-GCCAGC. GRCh37 (hg19) VCF-style: chr8-140898137-G-GCCAGC.
Other names: c.3009_3013dup, p.Ala1005fs (NM_001321646.2); c.3057_3061dup, p.Ala1021fs (NM_001374682.1); c.2925_2929dup, p.Ala977fs (NM_001374683.1); c.2892_2896dup, p.Ala966fs (NM_001374684.1); c.3036_3040dup, p.Ala1014fs (NM_031466.8); short protein forms A1005fs, A1014fs, A1021fs, A966fs, A977fs.
Identifiers: ClinVar variation 1695239 (VCV001695239.31), dbSNP rs2131116634, ClinGen allele CA2580078605.

ClinVar aggregate classification (germline): Pathogenic (1 of 4 stars; one submission).

Submission:

CeGaT Center for Human Genetics Tuebingen
Classification: Pathogenic. Last evaluated: 2022-06-01. Review status: criteria provided, single submitter. Criteria: CeGaT Center For Human Genetics Tuebingen Variant Classification Criteria Version 2. Collection method: clinical testing. Allele origin: germline. Affected: yes. Observed: 1 variant allele.
Comment: TRAPPC9: PVS1, PM2, PM3:Supporting